The following is an entry in ClinVar:

ClinVar aggregate classification (germline): Uncertain significance (1 of 4 stars; one submission).

Submission:

Labcorp Genetics (formerly Invitae), Labcorp
Classification: Uncertain significance. Last evaluated: 2023-10-24. Review status: criteria provided, single submitter. Criteria: Invitae Variant Classification Sherloc (09022015). Collection method: clinical testing. Allele origin: germline.
Comment: This sequence change creates a premature translational stop signal (p.Ala10Glyfs*9) in the ANKZF1 gene. It is expected to result in an absent or disrupted protein product. However, the current clinical and genetic evidence is not sufficient to establish whether loss-of-function variants in ANKZF1 cause disease. This variant is not present in population databases (gnomAD no frequency). This variant has not been reported in the literature in individuals affected with ANKZF1-related conditions. In summary, the available evidence is currently insufficient to determine the role of this variant in disease. Therefore, it has been classified as a Variant of Uncertain Significance.

NM_018089.3(ANKZF1):c.26dup (p.Ala10fs)

Gene: ANKZF1 (ankyrin repeat and zinc finger peptidyl tRNA hydrolase 1; plus strand). Cytogenetic location: 2q35.
Variant type: Duplication.
Coding change: c.26dup on transcript NM_018089.3 (MANE Select); coding-DNA position 26, one base duplicated (C; older notation c.26dupC).
Protein change: p.Ala10fs; shifts the reading frame from alanine 10.
Molecular consequence: frameshift variant. On other transcripts: intron variant (1).
Genome position (GRCh38, 1-based): chr2:219,230,283, C duplicated; the last of 4 consecutive C bases (chr2:219,230,280-219,230,283); duplicating any one gives the same sequence. VCF-style (leftmost placement, unchanged base first): chr2-219230279-G-GC. GRCh37 (hg19) VCF-style: chr2-220095001-G-GC.
Other names: c.26dup, p.Ala10fs (NM_001042410.2); c.-267+383dup (NM_001282792.2); short protein forms A10fs.
Identifiers: ClinVar variation 2998680 (VCV002998680.3), dbSNP rs2544903390, ClinGen allele CA2663216150.